The following is an entry in ClinVar:

ClinVar aggregate classification (germline): Uncertain significance. Review status: criteria provided, multiple submitters, no conflicts (2 of 4 stars). 2 submissions from 2 submitters: Uncertain significance (2). Last evaluated 2026-08-06.

Conditions:
Inborn genetic diseases. Identifiers: MedGen C0950123, MeSH D030342.

Allele frequency attached by ClinVar (database versions not stated): TOPMed 0.00004; gnomAD exomes below 0.00001; gnomAD 0.00001.
gnomAD v4.1: 5 of 1,613,454 alleles (0.00031%); highest among the groups gnomAD compares: African/African-American, 0.0013%; no homozygotes.

Submissions (2):

OLLIN Analises Genomicas, OLLIN
Classification: Uncertain significance. Last evaluated: 2026-08-06. Review status: criteria provided, single submitter. Criteria: ACMG Guidelines 2015 PMID 25741868. Collection method: clinical testing. Allele origin: germline.
Comment: This missense variant, located in exon 1 (of 22), has been reported in ClinVar (accession VCV002597488.2) and in gnomAD with an allele frequency of 0.00031%. However, to our knowledge, it has not been reported in the scientific literature. In silico analysis predicts that this variant has a deleterious effect. According to the currently available evidence, this variant has been classified as uncertain significance (PM2_P, PP3).

Ambry Genetics
Classification: Uncertain significance for Inborn genetic diseases. Last evaluated: 2023-06-22. Review status: criteria provided, single submitter. Criteria: Ambry Variant Classification Scheme 2023. Collection method: clinical testing. Allele origin: germline.

NM_020745.4(AARS2):c.227A>G (p.Asn76Ser)

Gene: AARS2 (alanyl-tRNA synthetase 2, mitochondrial; minus strand). Cytogenetic location: 6p21.1.
Variant type: single nucleotide variant.
Coding change: c.227A>G on transcript NM_020745.4 (MANE Select); coding-DNA position 227, A replaced by G.
Protein change: p.Asn76Ser; replaces asparagine 76 with serine.
Molecular consequence: missense variant.
Genome position (GRCh38, 1-based): chr6:44,313,097, T>C on the plus strand (A>G on the coding strand, the complement: AARS2 is on the minus strand). VCF-style: chr6-44313097-T-C. GRCh37 (hg19) VCF-style: chr6-44280834-T-C.
Other names: short protein forms N76S.
Identifiers: ClinVar variation 2597488 (VCV002597488.3), dbSNP rs1294144659, ClinGen allele CA364341925.
Genomic context (GRCh38, chr6:44,313,097, plus strand): 5'-AAACTCACGAACTCCGCTCCCTATCAGTATGGTTCGGCCCTCACCTGGTTCATGCCCGCA[T>C]TGACAAAAAGCAAACTGGGGTCGCCGCGGGGCCGCACGGAAGCGGAGGGCACCAGCCGGT-3'
Protein context (NP_065796.2, residues 66-86): PRGDPSLLFV[Asn76Ser]AGMNQFKPIF